The following is an entry in ClinVar:

NM_030631.4(SLC25A21):c.268A>G (p.Lys90Glu)

Gene: SLC25A21 (solute carrier family 25 member 21; minus strand). Cytogenetic location: 14q13.3.
Variant type: single nucleotide variant.
Coding change: c.268A>G on transcript NM_030631.4 (MANE Select); coding-DNA position 268, A replaced by G.
Protein change: p.Lys90Glu; replaces lysine 90 with glutamic acid.
Molecular consequence: missense variant.
Genome position (GRCh38, 1-based): chr14:36,734,509, T>C on the plus strand (A>G on the coding strand, the complement: SLC25A21 is on the minus strand). VCF-style: chr14-36734509-T-C. GRCh37 (hg19) VCF-style: chr14-37203714-T-C.
Other names: c.268A>G (NM_030631.3); c.268A>G, p.Lys90Glu (NM_001171170.2); short protein forms K90E.
Identifiers: ClinVar variation 1898128 (VCV001898128.6), dbSNP rs1043962846, ClinGen allele CA258920607.

ClinVar aggregate classification (germline): Uncertain significance. Review status: criteria provided, multiple submitters, no conflicts (2 of 4 stars). 2 submissions from 2 submitters: Uncertain significance (2). Last evaluated 2025-08-11.

Allele frequency attached by ClinVar (database versions not stated): gnomAD 0.00001; TOPMed 0.00001.
gnomAD v4.1: 5 of 1,606,454 alleles (0.00031%); highest among the groups gnomAD compares: Non-Finnish European, 0.00043%; no homozygotes.

Submissions (2):

Ambry Genetics
Classification: Uncertain significance. Last evaluated: 2025-08-11. Review status: criteria provided, single submitter. Criteria: Ambry Variant Classification Scheme 2023. Collection method: clinical testing. Allele origin: germline.

Labcorp Genetics (formerly Invitae), Labcorp
Classification: Uncertain significance. Last evaluated: 2024-03-11. Review status: criteria provided, single submitter. Criteria: Invitae Variant Classification Sherloc (09022015). Collection method: clinical testing. Allele origin: germline.
Comment: This sequence change replaces lysine, which is basic and polar, with glutamic acid, which is acidic and polar, at codon 90 of the SLC25A21 protein (p.Lys90Glu). This variant is not present in population databases (gnomAD no frequency). This variant has not been reported in the literature in individuals affected with SLC25A21-related conditions. ClinVar contains an entry for this variant (Variation ID: 1898128). An algorithm developed to predict the effect of missense changes on protein structure and function (PolyPhen-2) suggests that this variant is likely to be disruptive. In summary, the available evidence is currently insufficient to determine the role of this variant in disease. Therefore, it has been classified as a Variant of Uncertain Significance.